The following is an entry in ClinVar:

ClinVar aggregate classification (germline): Pathogenic (1 of 4 stars; one submission).

Conditions:
Anophthalmia/microphthalmia-esophageal atresia syndrome (MCOPS3). Also called: AEG SYNDROME; MICROPHTHALMIA AND ESOPHAGEAL ATRESIA SYNDROME; SOX2 Disorder. Identifiers: Orphanet 77298, MedGen C1859773, MONDO:0008799, OMIM 206900.

Submission:

Labcorp Genetics (formerly Invitae), Labcorp
Classification: Pathogenic for Anophthalmia/microphthalmia-esophageal atresia syndrome. Last evaluated: 2023-10-04. Review status: criteria provided, single submitter. Criteria: Invitae Variant Classification Sherloc (09022015). Collection method: clinical testing. Allele origin: germline.
Comment: This sequence change creates a premature translational stop signal (p.Tyr110Profs*14) in the SOX2 gene. While this is not anticipated to result in nonsense mediated decay, it is expected to disrupt the last 208 amino acid(s) of the SOX2 protein. This variant is not present in population databases (gnomAD no frequency). This variant has not been reported in the literature in individuals affected with SOX2-related conditions. This variant disrupts a region of the SOX2 protein in which other variant(s) (p.Pro181Argfs*22) have been determined to be pathogenic (PMID: 22171155). This suggests that this is a clinically significant region of the protein, and that variants that disrupt it are likely to be disease-causing. For these reasons, this variant has been classified as Pathogenic.

Literature cited by the submitters: PubMed 22171155.

NM_003106.4(SOX2):c.328_329del (p.Tyr110fs)

Genes: SOX2-OT (SOX2 overlapping transcript; plus strand), SOX2 (SRY-box transcription factor 2; plus strand), LOC108281177 (SOX2 5' regulatory region; plus strand). Cytogenetic location: 3q26.33.
Variant type: Deletion.
Coding change: c.328_329del on transcript NM_003106.4 (MANE Select); coding-DNA positions 328 to 329, 2 bases deleted (TA; older notation c.328_329delTA).
Protein change: p.Tyr110fs; shifts the reading frame from tyrosine 110.
Molecular consequence: frameshift variant.
Genome position (GRCh38, 1-based): chr3:181,712,688-181,712,689, TA deleted; deleting any 2 consecutive bases within chr3:181,712,687-181,712,689 gives the same sequence; the c. name uses the placement nearest the transcript's 3' end. VCF-style (leftmost placement, unchanged base first): chr3-181712686-AAT-A. GRCh37 (hg19) VCF-style: chr3-181430474-AAT-A.
Other names: short protein forms Y110fs.
Identifiers: ClinVar variation 2763472 (VCV002763472.3), dbSNP rs2473718027, ClinGen allele CA2697556999.